The following is an entry in ClinVar:

NM_001165963.4(SCN1A):c.5594T>C (p.Leu1865Pro)

Genes: SCN1A (sodium voltage-gated channel alpha subunit 1; minus strand), LOC102724058 (uncharacterized LOC102724058; plus strand). Cytogenetic location: 2q24.3.
Variant type: single nucleotide variant.
Coding change: c.5594T>C on transcript NM_001165963.4 (MANE Select); coding-DNA position 5594, T replaced by C.
Protein change: p.Leu1865Pro; replaces leucine 1865 with proline.
Molecular consequence: missense variant. On other transcripts: non-coding transcript variant (1).
Genome position (GRCh38, 1-based): chr2:165,991,681, A>G on the plus strand (T>C on the coding strand, the complement: SCN1A is on the minus strand). VCF-style: chr2-165991681-A-G. GRCh37 (hg19) VCF-style: chr2-166848191-A-G.
Other names: c.5510T>C, p.Leu1837Pro (NM_001165964.3, NM_001353957.2, NM_001353958.2); c.5594T>C, p.Leu1865Pro (NM_001202435.3, NM_001353948.2); c.5561T>C, p.Leu1854Pro (NM_001353949.2, NM_001353950.2, NM_001353951.2 and 2 more transcripts); c.5558T>C, p.Leu1853Pro (NM_001353954.2, NM_001353955.2); c.5507T>C, p.Leu1836Pro (NM_001353960.2); c.3152T>C, p.Leu1051Pro (NM_001353961.2); short protein forms L1051P, L1836P, L1837P, L1853P, L1854P, L1865P.
Identifiers: ClinVar variation 1679126 (VCV001679126.1), dbSNP rs2105425720, ClinGen allele CA349065279.

ClinVar aggregate classification (germline): Uncertain significance (1 of 4 stars; one submission).

Conditions:
Generalized epilepsy with febrile seizures plus, type 2 (GEFSP2). Also called: GEFS+, TYPE 2. Identifiers: Orphanet 36387, MedGen C1858673, MONDO:0011461, OMIM 604403.

Submission:

Institute of Human Genetics, University of Leipzig Medical Center
Classification: Uncertain significance for Generalized epilepsy with febrile seizures plus, type 2. Last evaluated: 2022-04-21. Review status: criteria provided, single submitter. Criteria: ACMG Guidelines, 2015. Collection method: clinical testing. Allele origin: unknown. Affected: yes.
Comment: Despite strong evidence for its pathogenicity, this variant has to be classified as of unknown significance, according to the ACMG-criteria (Richards et al., 2015)_x000D_ Criteria applied: PM1_SUP, PM2_SUP, PP2, PP3, PP4